The following is an entry in ClinVar:

NM_000722.4(CACNA2D1):c.2967-3C>A

Gene: CACNA2D1 (calcium voltage-gated channel auxiliary subunit alpha2delta 1; minus strand). Cytogenetic location: 7q21.11.
Variant type: single nucleotide variant.
Coding change: c.2967-3C>A on transcript NM_000722.4 (MANE Select); 3 bases into the intron before coding-DNA position 2967, C replaced by A.
Molecular consequence: intron variant.
Genome position (GRCh38, 1-based): chr7:81,959,832, G>T on the plus strand (C>A on the coding strand, the complement: CACNA2D1 is on the minus strand). VCF-style: chr7-81959832-G-T. GRCh37 (hg19) VCF-style: chr7-81589148-G-T.
Other names: c.3003-3C>A (NM_001366867.1).
Identifiers: ClinVar variation 1798225 (VCV001798225.7), dbSNP rs375733834, ClinGen allele CA4317420.

ClinVar aggregate classification (germline): Conflicting classifications of pathogenicity. Review status: criteria provided, conflicting classifications (1 of 4 stars). 2 submissions from 2 submitters: Uncertain significance (1); Likely benign (1). Last evaluated 2025-12-25.

Conditions:
Cardiovascular phenotype. Identifiers: MedGen CN230736.
Brugada syndrome. Also called: Sudden unexpected nocturnal death syndrome; Sudden unexplained nocturnal death syndrome; Sudden Unexplained Death Syndrome; Sudden Unexplained Nocturnal Death Syndrome (SUNDS). Identifiers: Orphanet 130, MedGen C1142166, MONDO:0015263.

Allele frequency attached by ClinVar (database versions not stated): gnomAD exomes 0.00001; ExAC 0.00003; TOPMed 0.00006; ESP Exome Variant Server 0.00023.
gnomAD v4.1: 22 of 1,610,918 alleles (0.0014%); highest among the groups gnomAD compares: African/African-American, 0.027%; no homozygotes.

Submissions (2):

Labcorp Genetics (formerly Invitae), Labcorp
Classification: Uncertain significance for Brugada syndrome. Last evaluated: 2025-12-25. Review status: criteria provided, single submitter. Criteria: Invitae Variant Classification Sherloc (09022015). Collection method: clinical testing. Allele origin: germline.
Comment: This sequence change falls in intron 36 of the CACNA2D1 gene. It does not directly change the encoded amino acid sequence of the CACNA2D1 protein. It affects a nucleotide within the consensus splice site. This variant is present in population databases (rs375733834, gnomAD 0.03%). This variant has not been reported in the literature in individuals affected with CACNA2D1-related conditions. ClinVar contains an entry for this variant (Variation ID: 1798225). Variants that disrupt the consensus splice site are a relatively common cause of aberrant splicing (PMID: 17576681, 9536098). Algorithms developed to predict the effect of sequence changes on RNA splicing suggest that this variant may disrupt the consensus splice site. In summary, the available evidence is currently insufficient to determine the role of this variant in disease. Therefore, it has been classified as a Variant of Uncertain Significance.

Ambry Genetics
Classification: Likely benign for Cardiovascular phenotype. Last evaluated: 2023-11-13. Review status: criteria provided, single submitter. Criteria: Ambry Variant Classification Scheme 2023. Collection method: clinical testing. Allele origin: germline.

Literature cited by the submitters: PubMed 17576681 (cited by Labcorp Genetics (formerly Invitae), Labcorp); PubMed 9536098 (cited by Labcorp Genetics (formerly Invitae), Labcorp).